The following is an entry in ClinVar:

ClinVar aggregate classification (germline): Uncertain significance (1 of 4 stars; one submission).

Conditions:
Cardiovascular phenotype. Identifiers: MedGen CN230736.

Submission:

Ambry Genetics
Classification: Uncertain significance for Cardiovascular phenotype. Last evaluated: 2021-07-07. Review status: criteria provided, single submitter. Criteria: Ambry Variant Classification Scheme 2023. Collection method: clinical testing. Allele origin: germline.
Comment: The c.4519+1G>A intronic variant results from a G to A substitution one nucleotide after coding exon 30 of the MYH7 gene. This nucleotide position is highly conserved in available vertebrate species. In silico splice site analysis predicts that this alteration will weaken the native splice donor site. Alterations that disrupt the canonical splice site are expected to cause aberrant splicing, resulting in an abnormal protein or a transcript that is subject to nonsense-mediated mRNA decay. However, loss of function of MYH7 has not been clearly established as a mechanism of disease. Since supporting evidence is limited at this time, the clinical significance of this alteration remains unclear.

NM_000257.4(MYH7):c.4519+1G>A

Genes: MHRT (myosin heavy chain associated RNA transcript; plus strand), MYH7 (myosin heavy chain 7; minus strand). Cytogenetic location: 14q11.2.
Variant type: single nucleotide variant.
Coding change: c.4519+1G>A on transcript NM_000257.4 (MANE Select); the canonical splice donor site of the intron after coding-DNA position 4519, G replaced by A.
Molecular consequence: splice donor variant.
Genome position (GRCh38, 1-based): chr14:23,417,152, C>T on the plus strand (G>A on the coding strand, the complement: MYH7 is on the minus strand). VCF-style: chr14-23417152-C-T. GRCh37 (hg19) VCF-style: chr14-23886361-C-T.
Other names: c.4519+1G>A (NM_001407004.1).
Identifiers: ClinVar variation 1741173 (VCV001741173.2), dbSNP rs876661374, ClinGen allele CA389038236.